The following is an entry in ClinVar:

NM_007294.4(BRCA1):c.5104A>G (p.Lys1702Glu)

Gene: BRCA1 (BRCA1 DNA repair associated; minus strand). Cytogenetic location: 17q21.31.
Variant type: single nucleotide variant.
Coding change: c.5104A>G on transcript NM_007294.4 (MANE Select); coding-DNA position 5104, A replaced by G.
Protein change: p.Lys1702Glu; replaces lysine 1702 with glutamic acid.
Molecular consequence: missense variant. On other transcripts: non-coding transcript variant (1).
Genome position (GRCh38, 1-based): chr17:43,063,922, T>C on the plus strand (A>G on the coding strand, the complement: BRCA1 is on the minus strand). VCF-style: chr17-43063922-T-C. GRCh37 (hg19) VCF-style: chr17-41215939-T-C.
Other names: c.4891A>G, p.Lys1631Glu (NM_001407571.1, NM_001407895.1, NM_001407896.1 and 12 more transcripts); c.5170A>G, p.Lys1724Glu (NM_001407581.1, NM_001407582.1); c.5167A>G, p.Lys1723Glu (NM_001407583.1, NM_001407585.1, NM_001407587.1 and 1 more transcripts); c.5164A>G, p.Lys1722Glu (NM_001407590.1, NM_001407591.1); c.5104A>G, p.Lys1702Glu (NM_001407593.1, NM_001407594.1, NM_001407596.1 and 7 more transcripts); c.5101A>G, p.Lys1701Glu (NM_001407610.1, NM_001407611.1, NM_001407622.1 and 17 more transcripts); c.5098A>G, p.Lys1700Glu (NM_001407627.1, NM_001407628.1, NM_001407629.1 and 14 more transcripts); c.5095A>G, p.Lys1699Glu (NM_001407644.1, NM_001407645.1); and 71 more; short protein forms K1655E, K1702E, K1723E, K598E, K1533E, K1591E, K1612E, K1631E.
Identifiers: ClinVar variation 867650 (VCV000867650.4), dbSNP rs2051925024, ClinGen allele CA10591322.

ClinVar aggregate classification (germline): Likely pathogenic (1 of 4 stars; one submission).

Conditions:
Breast-ovarian cancer, familial, susceptibility to, 1 (BROVCA1). Also called: OVARIAN CANCER, SUSCEPTIBILITY TO; BRCA1 Hereditary Breast and Ovarian Cancer. Identifiers: Orphanet 145, MedGen C2676676, MONDO:0011450, OMIM 604370. Disease mechanism: loss of function.

Submissions (2):

Myriad Genetics, Inc.
Classification: Likely pathogenic for Breast-ovarian cancer, familial, susceptibility to, 1. Last evaluated: 2026-09-09. Review status: criteria provided, single submitter. Criteria: Myriad Autosomal Dominant, Autosomal Recessive and X-Linked Classification Criteria (2023). Collection method: clinical testing. Allele origin: unknown.
Comment: This variant is considered likely pathogenic. This variant is expected to disrupt protein structure [Myriad internal data]. Functional studies indicate this variant impacts protein function [PMID: 30209399].

Brotman Baty Institute, University of Washington
No classification provided (evidence only). Condition: Breast-ovarian cancer, familial 1. Review status: no classification provided. Collection method: in vitro. Allele origin: not applicable. Functional consequence: functionally_abnormal. Not counted in ClinVar's aggregate classification.
ClinVar note: "not provided" was previously submitted as the classification for the variant. However, the classification appeared to be based only on an observation of functional data so it was converted to no classification on 2025-07-30.

Literature cited by the submitters: PubMed 30209399 (cited by Myriad Genetics, Inc.).